The following is an entry in ClinVar:

ClinVar aggregate classification (germline): Likely benign (1 of 4 stars; one submission).

Submission:

GeneDx
Classification: Likely benign. Last evaluated: 2018-02-27. Review status: criteria provided, single submitter. Criteria: GeneDx Variant Classification (06012015). Collection method: clinical testing. Allele origin: germline. Affected: yes.
Comment: This variant is considered likely benign or benign based on one or more of the following criteria: it is a conservative change, it occurs at a poorly conserved position in the protein, it is predicted to be benign by multiple in silico algorithms, and/or has population frequency not consistent with disease.

NM_194248.3(OTOF):c.5103+9T>G

Genes: OTOF (otoferlin; minus strand), LOC112840921 (BRD4-independent group 4 enhancer GRCh37_chr2:26685720-26686919; plus strand). Cytogenetic location: 2p23.3.
Variant type: single nucleotide variant.
Coding change: c.5103+9T>G on transcript NM_194248.3 (MANE Select); 9 bases into the intron after coding-DNA position 5103, T replaced by G.
Molecular consequence: intron variant.
Genome position (GRCh38, 1-based): chr2:26,463,955, A>C on the plus strand (T>G on the coding strand, the complement: OTOF is on the minus strand). VCF-style: chr2-26463955-A-C. GRCh37 (hg19) VCF-style: chr2-26686823-A-C.
Other names: c.5103+9T>G (NM_001287489.2); c.2802+9T>G (NM_194323.3, NM_004802.4); c.3033+9T>G (NM_194322.3).
Identifiers: ClinVar variation 515598 (VCV000515598.1), dbSNP rs1553348387, ClinGen allele CA658795684.